The following is an entry in ClinVar:

ClinVar aggregate classification (germline): Pathogenic/Likely pathogenic. Review status: criteria provided, multiple submitters, no conflicts (2 of 4 stars). 2 submissions from 2 submitters: Pathogenic (1); Likely pathogenic (1). Last evaluated 2023-11-14.

Conditions:
Jeune thoracic dystrophy. Also called: Jeune syndrome; Infantile thoracic dystrophy; Thoracic pelvic phalangeal dystrophy; Jeune's syndrome; Chondroectodermal dysplasia-like syndrome; Short-rib thoracic dysplasia. Identifiers: Orphanet 474, MedGen C0265275, MONDO:0018770.
Nephronophthisis. Also called: Juvenile Nephronophthisis. Identifiers: Orphanet 655, MedGen C0687120, MONDO:0019005, HP:0000090.
Asphyxiating thoracic dystrophy 4 (SRTD4). Also called: SHORT-RIB THORACIC DYSPLASIA 4 WITH OR WITHOUT POLYDACTYLY; SHORT-RIB THORACIC DYSPLASIA 4. Identifiers: Orphanet 474, MedGen C3151185, MONDO:0013441, OMIM 613819.
Nephronophthisis 12 (NPHP12). Identifiers: Orphanet 655, MedGen C3151186, MONDO:0013442, OMIM 613820.

Submissions (2):

Labcorp Genetics (formerly Invitae), Labcorp
Classification: Pathogenic for Jeune thoracic dystrophy; Nephronophthisis. Last evaluated: 2023-11-14. Review status: criteria provided, single submitter. Criteria: Invitae Variant Classification Sherloc (09022015). Collection method: clinical testing. Allele origin: germline.
Comment: This sequence change creates a premature translational stop signal (p.Thr494Serfs*3) in the TTC21B gene. It is expected to result in an absent or disrupted protein product. Loss-of-function variants in TTC21B are known to be pathogenic (PMID: 18327258, 21068128, 21258341, 23559409, 24876116, 25492405, 27491411, 29068549). This variant is not present in population databases (gnomAD no frequency). This variant has not been reported in the literature in individuals affected with TTC21B-related conditions. For these reasons, this variant has been classified as Pathogenic.

Department of Pathology and Laboratory Medicine, Sinai Health System
Classification: Likely pathogenic for Asphyxiating thoracic dystrophy 4; Nephronophthisis 12. Last evaluated: 2021-07-30. Review status: criteria provided, single submitter. Criteria: ACMG Guidelines, 2015. Collection method: research. Allele origin: germline.

Literature cited by the submitters: PubMed 18327258 (cited by Labcorp Genetics (formerly Invitae), Labcorp); PubMed 21068128 (cited by Labcorp Genetics (formerly Invitae), Labcorp); PubMed 21258341 (cited by Labcorp Genetics (formerly Invitae), Labcorp); PubMed 23559409 (cited by Labcorp Genetics (formerly Invitae), Labcorp); PubMed 24876116 (cited by Labcorp Genetics (formerly Invitae), Labcorp); PubMed 25492405 (cited by Labcorp Genetics (formerly Invitae), Labcorp); PubMed 27491411 (cited by Labcorp Genetics (formerly Invitae), Labcorp); PubMed 29068549 (cited by Labcorp Genetics (formerly Invitae), Labcorp).

NM_024753.5(TTC21B):c.1479_1482del (p.Thr494fs)

Gene: TTC21B (tetratricopeptide repeat domain 21B; minus strand). Cytogenetic location: 2q24.3.
Variant type: Deletion.
Coding change: c.1479_1482del on transcript NM_024753.5 (MANE Select); coding-DNA positions 1479 to 1482, 4 bases deleted (AACA; older notation c.1479_1482delAACA).
Protein change: p.Thr494fs; shifts the reading frame from threonine 494.
Molecular consequence: frameshift variant.
Genome position (GRCh38, 1-based): chr2:165,924,583-165,924,586, TGTT deleted on the plus strand (AACA on the coding strand, the reverse complement: TTC21B is on the minus strand); deleting any 4 consecutive bases within chr2:165,924,583-165,924,588 gives the same sequence; the c. name uses the placement nearest the transcript's 3' end. VCF-style (leftmost placement, unchanged base first): chr2-165924582-CTGTT-C. GRCh37 (hg19) VCF-style: chr2-166781092-CTGTT-C.
Other names: short protein forms T494fs.
Identifiers: ClinVar variation 2927399 (VCV002927399.4), dbSNP rs1686551975, ClinGen allele CA429900901.